The following is an entry in ClinVar:

ClinVar aggregate classification (germline): Uncertain significance (1 of 4 stars; one submission).

gnomAD v4.1: 71 of 1,607,814 alleles (0.0044%); highest among the groups gnomAD compares: Non-Finnish European, 0.0058%; no homozygotes.

Submission:

Mayo Clinic Laboratories, Mayo Clinic
Classification: Uncertain significance. Last evaluated: 2025-05-13. Review status: criteria provided, single submitter. Criteria: ACMG Guidelines, 2015. Collection method: clinical testing. Allele origin: germline. Observed: 1 variant allele.
Comment: BP1, PM2_supporting

NM_001267550.2(TTN):c.53636T>C (p.Ile17879Thr)

Genes: TTN (titin; minus strand), TTN-AS1 (TTN antisense RNA 1; plus strand). Cytogenetic location: 2q31.2.
Variant type: single nucleotide variant.
Coding change: c.53636T>C on transcript NM_001267550.2 (MANE Select); coding-DNA position 53636, T replaced by C.
Protein change: p.Ile17879Thr; replaces isoleucine 17879 with threonine.
Molecular consequence: missense variant.
Genome position (GRCh38, 1-based): chr2:178,605,659, A>G on the plus strand (T>C on the coding strand, the complement: TTN is on the minus strand). VCF-style: chr2-178605659-A-G. GRCh37 (hg19) VCF-style: chr2-179470386-A-G.
Other names: p.Ile16238Thr; c.48713T>C, p.Ile16238Thr (NM_001256850.1); c.26441T>C, p.Ile8814Thr (NM_003319.4); c.45932T>C, p.Ile15311Thr (NM_133378.4); c.26816T>C, p.Ile8939Thr (NM_133432.3); c.27017T>C, p.Ile9006Thr (NM_133437.4); short protein forms I16238T, I8814T, I15311T, I8939T, I9006T, I17879T.
Identifiers: ClinVar variation 4540734 (VCV004540734.1).